The following is an entry in ClinVar:

NM_006516.4(SLC2A1):c.235G>C (p.Gly79Arg)

Gene: SLC2A1 (solute carrier family 2 member 1; minus strand). Cytogenetic location: 1p34.2.
Variant type: single nucleotide variant.
Coding change: c.235G>C on transcript NM_006516.4 (MANE Select); coding-DNA position 235, G replaced by C.
Protein change: p.Gly79Arg; replaces glycine 79 with arginine.
Molecular consequence: missense variant.
Genome position (GRCh38, 1-based): chr1:42,931,086, C>G on the plus strand (G>C on the coding strand, the complement: SLC2A1 is on the minus strand). VCF-style: chr1-42931086-C-G. GRCh37 (hg19) VCF-style: chr1-43396757-C-G.
Other names: short protein forms G79R.
Identifiers: ClinVar variation 3633557 (VCV003633557.2).

ClinVar aggregate classification (germline): Uncertain significance (1 of 4 stars; one submission).

Conditions:
GLUT1 deficiency syndrome 1, autosomal recessive. Identifiers: MedGen C3149117.

Submission:

Labcorp Genetics (formerly Invitae), Labcorp
Classification: Uncertain significance for GLUT1 deficiency syndrome 1, autosomal recessive. Last evaluated: 2025-01-11. Review status: criteria provided, single submitter. Criteria: Invitae Variant Classification Sherloc (09022015). Collection method: clinical testing. Allele origin: germline.
Comment: This sequence change replaces glycine, which is neutral and non-polar, with arginine, which is basic and polar, at codon 79 of the SLC2A1 protein (p.Gly79Arg). This variant is not present in population databases (gnomAD no frequency). This variant has not been reported in the literature in individuals affected with SLC2A1-related conditions. Invitae Evidence Modeling of protein sequence and biophysical properties (such as structural, functional, and spatial information, amino acid conservation, physicochemical variation, residue mobility, and thermodynamic stability) indicates that this missense variant is expected to disrupt SLC2A1 protein function with a positive predictive value of 95%. In summary, the available evidence is currently insufficient to determine the role of this variant in disease. Therefore, it has been classified as a Variant of Uncertain Significance.